The following is an entry in ClinVar:

NM_139058.3(ARX):c.670G>A (p.Glu224Lys)

Gene: ARX (aristaless related homeobox; minus strand). Cytogenetic location: Xp21.3.
Variant type: single nucleotide variant.
Coding change: c.670G>A on transcript NM_139058.3 (MANE Select); coding-DNA position 670, G replaced by A.
Protein change: p.Glu224Lys; replaces glutamic acid 224 with lysine.
Molecular consequence: missense variant.
Genome position (GRCh38, 1-based): chrX:25,013,325, C>T on the plus strand (G>A on the coding strand, the complement: ARX is on the minus strand). VCF-style: chrX-25013325-C-T. GRCh37 (hg19) VCF-style: chrX-25031442-C-T.
Other names: short protein forms E224K.
Identifiers: ClinVar variation 2925799 (VCV002925799.3), dbSNP rs2048710446, ClinGen allele CA412612695.
Genomic context (GRCh38, chrX:25,013,325, plus strand): 5'-GCAGTTCCTCTTCCTCGTCCTCATCTTCTTCGTCCTCCAGCAGCTCCTCCTCGTCGTCCT[C>T]GGTGCCGGTGCCACCACCCGCAGCCGGGGCGCTGCCCGGGCCGCCGGCCACGCCGAGGCG-3'
Protein context (NP_620689.1, residues 214-234): APAAGGGTGT[Glu224Lys]DDEEELLEDE

ClinVar aggregate classification (germline): Uncertain significance (1 of 4 stars; one submission).

Conditions:
Developmental and epileptic encephalopathy, 1 (DEE1). Also called: INFANTILE SPASM SYNDROME, X-LINKED 1; X-linked infantile spasms; West's syndrome; Tonic spasms with clustering, arrest of psychomotor development and hypsarrhythmia on EEG; X-Linked Infantile Spasm Syndrome; OHTAHARA SYNDROME, X-LINKED. Identifiers: MedGen C3463992, MONDO:0010632, OMIM 308350. Disease mechanism: loss of function.
Intellectual disability, X-linked, with or without seizures, ARX-related. Also called: MENTAL RETARDATION, X-LINKED 29; MENTAL RETARDATION, X-LINKED 32; MENTAL RETARDATION, X-LINKED 33; MENTAL RETARDATION, X-LINKED 38; MENTAL RETARDATION, X-LINKED 43; MENTAL RETARDATION, X-LINKED 76. Identifiers: Orphanet 777, MedGen C0796244, MONDO:0010317, OMIM 300419.

Allele frequency attached by ClinVar (database versions not stated): gnomAD exomes below 0.00001; TOPMed 0.00002.

Submission:

Labcorp Genetics (formerly Invitae), Labcorp
Classification: Uncertain significance for Developmental and epileptic encephalopathy, 1; Intellectual disability, X-linked, with or without seizures, ARX-related. Last evaluated: 2025-11-12. Review status: criteria provided, single submitter. Criteria: Invitae Variant Classification Sherloc (09022015). Collection method: clinical testing. Allele origin: germline.
Comment: This sequence change replaces glutamic acid, which is acidic and polar, with lysine, which is basic and polar, at codon 224 of the ARX protein (p.Glu224Lys). This variant is not present in population databases (gnomAD no frequency). This variant has not been reported in the literature in individuals affected with ARX-related conditions. ClinVar contains an entry for this variant (Variation ID: 2925799). Invitae Evidence Modeling of protein sequence and biophysical properties (such as structural, functional, and spatial information, amino acid conservation, physicochemical variation, residue mobility, and thermodynamic stability) indicates that this missense variant is not expected to disrupt ARX protein function with a negative predictive value of 80%. In summary, the available evidence is currently insufficient to determine the role of this variant in disease. Therefore, it has been classified as a Variant of Uncertain Significance.